The following is an entry in ClinVar:

ClinVar aggregate classification (germline): Benign/Likely benign. Review status: criteria provided, multiple submitters, no conflicts (2 of 4 stars). 2 submissions from 2 submitters: Benign (1); Likely benign (1). Last evaluated 2026-09-01.

Allele frequency attached by ClinVar (database versions not stated): 1000 Genomes Project 0.00160; 1000 Genomes Project 30x 0.00172; TOPMed 0.00512; gnomAD exomes 0.00522 and 0.00854; gnomAD 0.00532 and 0.00561; ExAC 0.00582; ESP Exome Variant Server 0.00669.
gnomAD v4.1: 13,136 of 1,607,080 alleles (0.82%); highest among the groups gnomAD compares: Non-Finnish European, 1%; 77 homozygotes.

Submissions (35):

CeGaT Center for Human Genetics Tuebingen
Classification: Benign. Last evaluated: 2026-09-01. Review status: criteria provided, single submitter. Criteria: CeGaT Center For Human Genetics Tuebingen Variant Classification Criteria Version 2. Collection method: clinical testing. Allele origin: germline. Affected: yes. Observed: 34 variant alleles.
Comment: KDM5B: BS1, BS2

Labcorp Genetics (formerly Invitae), Labcorp
Classification: Likely benign. Last evaluated: 2019-12-31. Review status: criteria provided, single submitter. Criteria: Invitae Variant Classification Sherloc (09022015). Collection method: clinical testing. Allele origin: germline.

Dr. Peter K. Rogan Lab, Western University
No classification provided (evidence only). Condition: Familial cancer of breast. Review status: no classification provided. Collection method: in vitro. Allele origin: not applicable. Functional consequence: retained intron. Not counted in ClinVar's aggregate classification.

Dr. Peter K. Rogan Lab, Western University
No classification provided (evidence only). Condition: Familial cancer of breast. Review status: no classification provided. Collection method: in vitro. Allele origin: not applicable. Functional consequence: skipped exon. Not counted in ClinVar's aggregate classification.

Dr. Peter K. Rogan Lab, Western University
No classification provided (evidence only). Condition: Acute myeloid leukemia. Review status: no classification provided. Collection method: in vitro. Allele origin: not applicable. Functional consequence: skipped exon, retained intron. Not counted in ClinVar's aggregate classification.

Dr. Peter K. Rogan Lab, Western University
No classification provided (evidence only). Condition: Acute myeloid leukemia. Review status: no classification provided. Collection method: in vitro. Allele origin: not applicable. Functional consequence: retained intron. Not counted in ClinVar's aggregate classification.

Dr. Peter K. Rogan Lab, Western University
No classification provided (evidence only). Condition: Acute myeloid leukemia. Review status: no classification provided. Collection method: in vitro. Allele origin: not applicable. Functional consequence: skipped exon, retained intron. Not counted in ClinVar's aggregate classification.

Dr. Peter K. Rogan Lab, Western University
No classification provided (evidence only). Condition: Acute myeloid leukemia. Review status: no classification provided. Collection method: in vitro. Allele origin: not applicable. Functional consequence: retained intron. Not counted in ClinVar's aggregate classification.

Dr. Peter K. Rogan Lab, Western University
No classification provided (evidence only). Condition: Colorectal cancer. Review status: no classification provided. Collection method: in vitro. Allele origin: not applicable. Functional consequence: retained intron. Not counted in ClinVar's aggregate classification.

Dr. Peter K. Rogan Lab, Western University
No classification provided (evidence only). Condition: Colorectal cancer. Review status: no classification provided. Collection method: in vitro. Allele origin: not applicable. Functional consequence: retained intron. Not counted in ClinVar's aggregate classification.

Dr. Peter K. Rogan Lab, Western University
No classification provided (evidence only). Condition: Cervical cancer. Review status: no classification provided. Collection method: in vitro. Allele origin: not applicable. Functional consequence: skipped exon, retained intron. Not counted in ClinVar's aggregate classification.

Dr. Peter K. Rogan Lab, Western University
No classification provided (evidence only). Condition: Cervical cancer. Review status: no classification provided. Collection method: in vitro. Allele origin: not applicable. Functional consequence: retained intron. Not counted in ClinVar's aggregate classification.

Dr. Peter K. Rogan Lab, Western University
No classification provided (evidence only). Condition: Sarcoma. Review status: no classification provided. Collection method: in vitro. Allele origin: not applicable. Functional consequence: retained intron. Not counted in ClinVar's aggregate classification.

Dr. Peter K. Rogan Lab, Western University
No classification provided (evidence only). Condition: Cholangiocarcinoma. Review status: no classification provided. Collection method: in vitro. Allele origin: not applicable. Functional consequence: skipped exon, retained intron. Not counted in ClinVar's aggregate classification.

Dr. Peter K. Rogan Lab, Western University
No classification provided (evidence only). Condition: Gastric cancer. Review status: no classification provided. Collection method: in vitro. Allele origin: not applicable. Functional consequence: retained intron. Not counted in ClinVar's aggregate classification.

Dr. Peter K. Rogan Lab, Western University
No classification provided (evidence only). Condition: Gastric cancer. Review status: no classification provided. Collection method: in vitro. Allele origin: not applicable. Functional consequence: retained intron. Not counted in ClinVar's aggregate classification.

Dr. Peter K. Rogan Lab, Western University
No classification provided (evidence only). Condition: Gastric cancer. Review status: no classification provided. Collection method: in vitro. Allele origin: not applicable. Functional consequence: retained intron. Not counted in ClinVar's aggregate classification.

Dr. Peter K. Rogan Lab, Western University
No classification provided (evidence only). Condition: Gastric cancer. Review status: no classification provided. Collection method: in vitro. Allele origin: not applicable. Functional consequence: retained intron. Not counted in ClinVar's aggregate classification.

Dr. Peter K. Rogan Lab, Western University
No classification provided (evidence only). Condition: Adrenocortical carcinoma, hereditary. Review status: no classification provided. Collection method: in vitro. Allele origin: not applicable. Functional consequence: skipped exon. Not counted in ClinVar's aggregate classification.

Dr. Peter K. Rogan Lab, Western University
No classification provided (evidence only). Condition: Malignant tumor of esophagus. Review status: no classification provided. Collection method: in vitro. Allele origin: not applicable. Functional consequence: skipped exon. Not counted in ClinVar's aggregate classification.

Dr. Peter K. Rogan Lab, Western University
No classification provided (evidence only). Condition: Malignant tumor of esophagus. Review status: no classification provided. Collection method: in vitro. Allele origin: not applicable. Functional consequence: skipped exon, retained intron. Not counted in ClinVar's aggregate classification.

Dr. Peter K. Rogan Lab, Western University
No classification provided (evidence only). Condition: Chronic lymphocytic leukemia/small lymphocytic lymphoma. Review status: no classification provided. Collection method: in vitro. Allele origin: not applicable. Functional consequence: retained intron. Not counted in ClinVar's aggregate classification.

Dr. Peter K. Rogan Lab, Western University
No classification provided (evidence only). Condition: Chronic lymphocytic leukemia/small lymphocytic lymphoma. Review status: no classification provided. Collection method: in vitro. Allele origin: not applicable. Functional consequence: skipped exon. Not counted in ClinVar's aggregate classification.

Dr. Peter K. Rogan Lab, Western University
No classification provided (evidence only). Condition: Familial pancreatic carcinoma. Review status: no classification provided. Collection method: in vitro. Allele origin: not applicable. Functional consequence: skipped exon, retained intron. Not counted in ClinVar's aggregate classification.

Dr. Peter K. Rogan Lab, Western University
No classification provided (evidence only). Condition: Familial pancreatic carcinoma. Review status: no classification provided. Collection method: in vitro. Allele origin: not applicable. Functional consequence: skipped exon, retained intron. Not counted in ClinVar's aggregate classification.

Dr. Peter K. Rogan Lab, Western University
No classification provided (evidence only). Condition: Ovarian cancer. Review status: no classification provided. Collection method: in vitro. Allele origin: not applicable. Functional consequence: skipped exon. Not counted in ClinVar's aggregate classification.

Dr. Peter K. Rogan Lab, Western University
No classification provided (evidence only). Condition: Clear cell carcinoma of kidney. Review status: no classification provided. Collection method: in vitro. Allele origin: not applicable. Functional consequence: skipped exon. Not counted in ClinVar's aggregate classification.

Dr. Peter K. Rogan Lab, Western University
No classification provided (evidence only). Condition: Clear cell carcinoma of kidney. Review status: no classification provided. Collection method: in vitro. Allele origin: not applicable. Functional consequence: retained intron. Not counted in ClinVar's aggregate classification.

Dr. Peter K. Rogan Lab, Western University
No classification provided (evidence only). Condition: Clear cell carcinoma of kidney. Review status: no classification provided. Collection method: in vitro. Allele origin: not applicable. Functional consequence: retained intron. Not counted in ClinVar's aggregate classification.

Dr. Peter K. Rogan Lab, Western University
No classification provided (evidence only). Condition: Clear cell carcinoma of kidney. Review status: no classification provided. Collection method: in vitro. Allele origin: not applicable. Functional consequence: skipped exon. Not counted in ClinVar's aggregate classification.

Dr. Peter K. Rogan Lab, Western University
No classification provided (evidence only). Condition: Clear cell carcinoma of kidney. Review status: no classification provided. Collection method: in vitro. Allele origin: not applicable. Functional consequence: retained intron. Not counted in ClinVar's aggregate classification.

Dr. Peter K. Rogan Lab, Western University
No classification provided (evidence only). Condition: Lung cancer. Review status: no classification provided. Collection method: in vitro. Allele origin: not applicable. Functional consequence: skipped exon. Not counted in ClinVar's aggregate classification.

Dr. Peter K. Rogan Lab, Western University
No classification provided (evidence only). Condition: Lung cancer. Review status: no classification provided. Collection method: in vitro. Allele origin: not applicable. Functional consequence: retained intron. Not counted in ClinVar's aggregate classification.

Dr. Peter K. Rogan Lab, Western University
No classification provided (evidence only). Condition: Melanoma. Review status: no classification provided. Collection method: in vitro. Allele origin: not applicable. Functional consequence: skipped exon, retained intron. Not counted in ClinVar's aggregate classification.

Dr. Peter K. Rogan Lab, Western University
No classification provided (evidence only). Condition: Melanoma. Review status: no classification provided. Collection method: in vitro. Allele origin: not applicable. Functional consequence: retained intron. Not counted in ClinVar's aggregate classification.

NM_006618.5(KDM5B):c.2016+4A>G

Gene: KDM5B (lysine demethylase 5B; minus strand). Cytogenetic location: 1q32.1.
Variant type: single nucleotide variant.
Coding change: c.2016+4A>G on transcript NM_006618.5 (MANE Select); 4 bases into the intron after coding-DNA position 2016, A replaced by G.
Molecular consequence: intron variant.
Genome position (GRCh38, 1-based): chr1:202,748,941, T>C on the plus strand (A>G on the coding strand, the complement: KDM5B is on the minus strand). VCF-style: chr1-202748941-T-C. GRCh37 (hg19) VCF-style: chr1-202718069-T-C.
Other names: NC_000001.10:g.202718069T>C; c.2001+4A>G (NM_001399817.1); c.1881+4A>G (NM_001347591.2); c.2124+4A>G (NM_001314042.2).
Identifiers: ClinVar variation 713774 (VCV000713774.40), dbSNP rs61751237, ClinGen allele CA1334568.